The following is an entry in ClinVar:

ClinVar aggregate classification (germline): Uncertain significance. Review status: criteria provided, multiple submitters, no conflicts (2 of 4 stars). 3 submissions from 3 submitters: Uncertain significance (3). Last evaluated 2025-11-23.

Conditions:
Cardiovascular phenotype. Identifiers: MedGen CN230736.
Primary dilated cardiomyopathy (DCM). Also called: Dilated Cardiomyopathy. Identifiers: Orphanet 217604, MedGen C0007193, MeSH D002311, MONDO:0005021, HP:0001644. Inheritance: Various modes of inheritance.

Allele frequency attached by ClinVar (database versions not stated): gnomAD exomes 0.00001 and 0.00002; ExAC 0.00003; gnomAD 0.00007 and 0.00009.
gnomAD v4.1: 22 of 1,601,126 alleles (0.0014%); highest among the groups gnomAD compares: African/African-American, 0.025%; no homozygotes.

Submissions (3):

Labcorp Genetics (formerly Invitae), Labcorp
Classification: Uncertain significance for Primary dilated cardiomyopathy. Last evaluated: 2025-11-23. Review status: criteria provided, single submitter. Criteria: Invitae Variant Classification Sherloc (09022015). Collection method: clinical testing. Allele origin: germline.
Comment: This sequence change replaces proline, which is neutral and non-polar, with serine, which is neutral and polar, at codon 517 of the TXNRD2 protein (p.Pro517Ser). This variant is present in population databases (rs756196216, gnomAD 0.03%). This variant has not been reported in the literature in individuals affected with TXNRD2-related conditions. ClinVar contains an entry for this variant (Variation ID: 1470688). An algorithm developed to predict the effect of missense changes on protein structure and function (PolyPhen-2) suggests that this variant is likely to be disruptive. In summary, the available evidence is currently insufficient to determine the role of this variant in disease. Therefore, it has been classified as a Variant of Uncertain Significance.

Ambry Genetics
Classification: Uncertain significance for Cardiovascular phenotype. Last evaluated: 2024-11-15. Review status: criteria provided, single submitter. Criteria: Ambry Variant Classification Scheme 2023. Collection method: clinical testing. Allele origin: germline.

GeneDx
Classification: Uncertain significance. Last evaluated: 2024-04-18. Review status: criteria provided, single submitter. Criteria: GeneDx Variant Classification Process June 2021. Collection method: clinical testing. Allele origin: germline. Affected: yes.
Comment: In silico analysis supports that this missense variant has a deleterious effect on protein structure/function; Has not been previously published as pathogenic or benign to our knowledge

NM_006440.5(TXNRD2):c.1549C>T (p.Pro517Ser)

Gene: TXNRD2 (thioredoxin reductase 2; minus strand). Cytogenetic location: 22q11.21.
Variant type: single nucleotide variant.
Coding change: c.1549C>T on transcript NM_006440.5 (MANE Select); coding-DNA position 1549, C replaced by T.
Protein change: p.Pro517Ser; replaces proline 517 with serine.
Molecular consequence: missense variant. On other transcripts: non-coding transcript variant (1).
Genome position (GRCh38, 1-based): chr22:19,877,131, G>A on the plus strand (C>T on the coding strand, the complement: TXNRD2 is on the minus strand). VCF-style: chr22-19877131-G-A. GRCh37 (hg19) VCF-style: chr22-19864654-G-A.
Other names: c.1546C>T, p.Pro516Ser (NM_001352300.2); c.1459C>T, p.Pro487Ser (NM_001352301.2); c.1261C>T, p.Pro421Ser (NM_001352302.2); short protein forms P516S, P517S, P421S, P487S.
Identifiers: ClinVar variation 1470688 (VCV001470688.13), dbSNP rs756196216, ClinGen allele CA10103598.